The following is an entry in ClinVar:

NM_000540.3(RYR1):c.15089G>A (p.Arg5030His)

Gene: RYR1 (ryanodine receptor 1; plus strand). Cytogenetic location: 19q13.2.
Variant type: single nucleotide variant.
Coding change: c.15089G>A on transcript NM_000540.3 (MANE Select); coding-DNA position 15089, G replaced by A.
Protein change: p.Arg5030His; replaces arginine 5030 with histidine.
Molecular consequence: missense variant.
Genome position (GRCh38, 1-based): chr19:38,587,392, G>A. VCF-style: chr19-38587392-G-A. GRCh37 (hg19) VCF-style: chr19-39078032-G-A.
Other names: c.15074G>A, p.Arg5025His (NM_001042723.2); short protein forms R5030H, R5025H.
Identifiers: ClinVar variation 590481 (VCV000590481.21), dbSNP rs747155223, ClinGen allele CA062054.

ClinVar aggregate classification (germline): Conflicting classifications of pathogenicity. Review status: criteria provided, conflicting classifications (1 of 4 stars). 7 submissions from 7 submitters: Likely pathogenic (1); Uncertain significance (5). 1 of the submissions does not count toward it. Last evaluated 2025-11-10.

Conditions:
Central core myopathy (CMYO1A). Also called: CONGENITAL MYOPATHY 1A, AUTOSOMAL DOMINANT, WITH SUSCEPTIBILITY TO MALIGNANT HYPERTHERMIA; Central core disease; Myopathy, central fibrillar. Identifiers: Orphanet 597, MedGen C5830701, MONDO:0007294, OMIM 117000.
RYR1-related disorder. Also called: RYR1-related condition; RYR1-related disorders. Identifiers: MedGen CN239331.
Congenital multicore myopathy with external ophthalmoplegia (CMYO1B). Also called: MULTIMINICORE DISEASE WITH EXTERNAL OPHTHALMOPLEGIA; Congenital myopathy 1B, autosomal recessive; Minicore myopathy; Minicore myopathy with external ophthalmoplegia; MULTICORE MYOPATHY. Identifiers: Orphanet 598, Orphanet 98905, MedGen C1850674, MONDO:0009712, OMIM 255320, HP:0003789.
Malignant hyperthermia, susceptibility to, 1 (MHS1). Also called: RYR1-Related Malignant Hyperthermia Susceptibility; Malignant hyperthermia suceptibility 1; Anesthesia related hyperthermia; Malignant hyperpyrexia; Fulminating hyperpyrexia; Pharmacogenic myopathy. Identifiers: Orphanet 423, MedGen C2930980, MONDO:0007783, OMIM 145600.

Allele frequency attached by ClinVar (database versions not stated): gnomAD 0.00003 and 0.00002; ExAC 0.00005; gnomAD exomes 0.00005 and 0.00003; TOPMed 0.00003.
gnomAD v4.1: 43 of 1,613,934 alleles (0.0027%); highest among the groups gnomAD compares: East Asian, 0.036%; no homozygotes.

Submissions (7):

Labcorp Genetics (formerly Invitae), Labcorp
Classification: Uncertain significance for RYR1-related disorder. Last evaluated: 2025-11-10. Review status: criteria provided, single submitter. Criteria: Invitae Variant Classification Sherloc (09022015). Collection method: clinical testing. Allele origin: germline.
Comment: This sequence change replaces arginine, which is basic and polar, with histidine, which is basic and polar, at codon 5030 of the RYR1 protein (p.Arg5030His). This variant is present in population databases (rs747155223, gnomAD 0.06%). This missense change has been observed in individual(s) with clinical features of central core myopathy (PMID: 36697461; internal data). ClinVar contains an entry for this variant (Variation ID: 590481). Invitae Evidence Modeling of protein sequence and biophysical properties (such as structural, functional, and spatial information, amino acid conservation, physicochemical variation, residue mobility, and thermodynamic stability) has been performed for this missense variant. However, the output from this modeling did not meet the statistical confidence thresholds required to predict the impact of this variant on RYR1 protein function. In summary, the available evidence is currently insufficient to determine the role of this variant in disease. Therefore, it has been classified as a Variant of Uncertain Significance.

3billion
Classification: Likely pathogenic for Congenital multicore myopathy with external ophthalmoplegia. Last evaluated: 2025-08-20. Review status: criteria provided, single submitter. Criteria: ACMG Guidelines, 2015. Collection method: clinical testing. Allele origin: germline. Affected: yes.
Comment: The variant is observed at an extremely low frequency in the gnomAD v4.1.0 dataset (total allele frequency: 0.003%). Predicted Consequence/Location: Missense variant In silico tool predictions suggest damaging effect of the variant on gene or gene product [REVEL: 0.85 (>=0.6, sensitivity 0.68 and specificity 0.92)]. The same nucleotide change resulting in the same amino acid change has been previously reported to be associated with RYR1-related disorder (ClinVar ID: VCV000590481 /PMID: 36697461).The variant has been reported to be in trans with a pathogenic variant as either compound heterozygous or homozygous in at least one similarly affected unrelated individual (PMID: 36697461). A different missense change at the same codon (p.Arg5030Cys) has been reported to be associated with RYR1-related disorder (ClinVar ID: VCV000291314). Therefore, this variant is classified as Likely pathogenic according to the recommendation of ACMG/AMP guideline.

Color Diagnostics, LLC DBA Color Health
Classification: Uncertain significance for Malignant hyperthermia, susceptibility to, 1. Last evaluated: 2025-07-15. Review status: criteria provided, single submitter. Criteria: ACMG Guidelines, 2015. Collection method: clinical testing. Allele origin: germline.
Comment: This missense variant replaces arginine with histidine at codon 5030 of the RYR1 protein. Computational prediction suggests that this variant may have deleterious impact on protein structure and function. To our knowledge, functional studies have not been reported for this variant. This variant has not been reported in individuals affected with autosomal dominant malignant hyperthermia in the literature, although it is associated with other phenotype(s) (ClinVar Variation ID: 590481, SCV001508190.3). This variant has been identified in 13/251442 chromosomes in the general population by the Genome Aggregation Database (gnomAD). The available evidence is insufficient to determine the role of this variant in disease conclusively. Therefore, this variant is classified as a Variant of Uncertain Significance.

All of Us Research Program, National Institutes of Health
Classification: Uncertain significance for Malignant hyperthermia, susceptibility to, 1. Last evaluated: 2023-12-01. Review status: criteria provided, single submitter. Criteria: ACMG Guidelines, 2015. Collection method: clinical testing. Allele origin: germline. Inheritance: Autosomal dominant inheritance. Observed: 4 variant alleles, 4 heterozygotes.
Comment: This missense variant replaces arginine with histidine at codon 5030 of the RYR1 protein. Computational prediction suggests that this variant may have deleterious impact on protein structure and function (internally defined REVEL score threshold >= 0.7, PMID: 27666373). To our knowledge, functional studies have not been reported for this variant. This variant has not been reported in individuals affected with autosomal dominant malignant hyperthermia in the literature, although it is associated with other phenotype(s) (ClinVar Variation ID: 590481, SCV001508190.3). This variant has been identified in 13/251442 chromosomes in the general population by the Genome Aggregation Database (gnomAD). The available evidence is insufficient to determine the role of this variant in disease conclusively. Therefore, this variant is classified as a Variant of Uncertain Significance.

This study involves interpretation of variants in research participants for the purpose of population health screening. Participant phenotype was not available at the time of variant classification. Additional details can be found in publication PMID: 35346344, PMCID: PMC8962531

Revvity Omics, Revvity
Classification: Uncertain significance. Last evaluated: 2022-06-15. Review status: criteria provided, single submitter. Criteria: ACMG Guidelines, 2015. Collection method: clinical testing. Allele origin: germline.

PreventionGenetics, part of Exact Sciences
Classification: Uncertain significance. Last evaluated: 2013-10-30. Review status: criteria provided, single submitter. Criteria: ACMG Guidelines, 2015. Collection method: clinical testing. Allele origin: germline.

Center of Excellence for Medical Genomics, Chulalongkorn University
Classification: Likely pathogenic for Central core myopathy. Last evaluated: 2022-09-08. Review status: no assertion criteria provided. Criteria: ACMG Guidelines, 2015. Collection method: research. Allele origin: maternal. Affected: yes. Not counted in ClinVar's aggregate classification.

Literature cited by the submitters: PubMed 36697461 (cited by Labcorp Genetics (formerly Invitae), Labcorp and 3billion).